The following is an entry in ClinVar:

ClinVar aggregate classification (germline): Uncertain significance (1 of 4 stars; one submission).

Conditions:
Cardiovascular phenotype. Identifiers: MedGen CN230736.

Submission:

Ambry Genetics
Classification: Uncertain significance for Cardiovascular phenotype. Last evaluated: 2025-11-20. Review status: criteria provided, single submitter. Criteria: Ambry Variant Classification Scheme 2023. Collection method: clinical testing. Allele origin: germline.
Comment: The p.A57T variant (also known as c.169G>A), located in coding exon 1 of the LMNA gene, results from a G to A substitution at nucleotide position 169. The alanine at codon 57 is replaced by threonine, an amino acid with similar properties. This amino acid position is well conserved in available vertebrate species. In addition, the in silico prediction for this alteration is inconclusive. Based on the available evidence, the clinical significance of this variant remains unclear.

NM_170707.4(LMNA):c.169G>A (p.Ala57Thr)

Gene: LMNA (lamin A/C; plus strand). Cytogenetic location: 1q22.
Variant type: single nucleotide variant.
Coding change: c.169G>A on transcript NM_170707.4 (MANE Select); coding-DNA position 169, G replaced by A.
Protein change: p.Ala57Thr; replaces alanine 57 with threonine.
Molecular consequence: missense variant. On other transcripts: 5 prime UTR variant (8), intron variant (2).
Genome position (GRCh38, 1-based): chr1:156,115,087, G>A. VCF-style: chr1-156115087-G-A. GRCh37 (hg19) VCF-style: chr1-156084878-G-A.
Other names: c.-255G>A (NM_001406986.1); c.-233G>A (NM_001406990.1, NM_001406995.1, NM_001407002.1); c.169G>A, p.Ala57Thr (NM_001406991.1, NM_001406992.1, NM_005572.4 and 6 more transcripts); c.-496G>A (NM_001406994.1, NM_001407000.1); c.-676G>A (NM_001406999.1); c.-339G>A (NM_001407001.1); c.-203+8264G>A (NM_001406993.1, NM_001407003.1); short protein forms A57T.
Identifiers: ClinVar variation 4614541 (VCV004614541.1).